The following is an entry in ClinVar:

ClinVar aggregate classification (germline): Uncertain significance (1 of 4 stars; one submission).

Conditions:
Hereditary cancer-predisposing syndrome. Also called: Neoplastic Syndromes, Hereditary; Tumor predisposition; Hereditary Cancer Syndrome; Hereditary neoplastic syndrome. Identifiers: Orphanet 140162, MedGen C0027672, MeSH D009386, MONDO:0015356.

Submission:

Ambry Genetics
Classification: Uncertain significance for Hereditary cancer-predisposing syndrome. Last evaluated: 2026-03-24. Review status: criteria provided, single submitter. Criteria: Ambry Variant Classification Scheme 2023. Collection method: clinical testing. Allele origin: germline.
Comment: The p.S602Y variant (also known as c.1805C>A), located in coding exon 15 of the MRE11A gene, results from a C to A substitution at nucleotide position 1805. The serine at codon 602 is replaced by tyrosine, an amino acid with dissimilar properties. This amino acid position is conserved. In addition, this alteration is predicted to be tolerated by in silico analysis. Based on the available evidence, the clinical significance of this variant remains unclear.

NM_005591.4(MRE11):c.1805C>A (p.Ser602Tyr)

Gene: MRE11 (MRE11 double strand break repair nuclease; minus strand). Cytogenetic location: 11q21.
Variant type: single nucleotide variant.
Coding change: c.1805C>A on transcript NM_005591.4 (MANE Select); coding-DNA position 1805, C replaced by A.
Protein change: p.Ser602Tyr; replaces serine 602 with tyrosine.
Molecular consequence: missense variant. On other transcripts: intron variant (6).
Genome position (GRCh38, 1-based): chr11:94,445,872, G>T on the plus strand (C>A on the coding strand, the complement: MRE11 is on the minus strand). VCF-style: chr11-94445872-G-T. GRCh37 (hg19) VCF-style: chr11-94179038-G-T.
Other names: c.1742C>A, p.Ser581Tyr (NM_001440469.1, NM_001440467.1, NM_001440468.1); c.1739C>A, p.Ser580Tyr (NM_001440470.1); c.1730C>A, p.Ser577Tyr (NM_001440471.1); c.1727C>A, p.Ser576Tyr (NM_001440472.1); c.1724C>A, p.Ser575Tyr (NM_001440473.1); c.1721C>A, p.Ser574Tyr (NM_001440477.1, NM_001440478.1); c.1667C>A, p.Ser556Tyr (NM_001440479.1); c.1805C>A, p.Ser602Tyr (NM_001440480.1, NM_001440460.1, NM_001440461.1 and 2 more transcripts); and 6 more; short protein forms S446Y, S486Y, S487Y, S556Y, S574Y, S575Y, S576Y, S577Y.
Identifiers: ClinVar variation 4860265 (VCV004860265.1).